The following is an entry in ClinVar:

NM_001365276.2(TNXB):c.8392C>T (p.Arg2798Cys)

Gene: TNXB (tenascin XB; minus strand). Cytogenetic location: 6p21.33.
Variant type: single nucleotide variant.
Coding change: c.8392C>T on transcript NM_001365276.2 (MANE Select); coding-DNA position 8392, C replaced by T.
Protein change: p.Arg2798Cys; replaces arginine 2798 with cysteine.
Molecular consequence: missense variant.
Genome position (GRCh38, 1-based): chr6:32,055,926, G>A on the plus strand (C>T on the coding strand, the complement: TNXB is on the minus strand). VCF-style: chr6-32055926-G-A. GRCh37 (hg19) VCF-style: chr6-32023703-G-A.
Other names: c.8392C>T, p.Arg2798Cys (NM_019105.8); short protein forms R2798C.
Identifiers: ClinVar variation 391492 (VCV000391492.10), dbSNP rs190411129, ClinGen allele CA3733859.

ClinVar aggregate classification (germline): Uncertain significance. Review status: criteria provided, multiple submitters, no conflicts (2 of 4 stars). 3 submissions from 3 submitters: Uncertain significance (3). Last evaluated 2026-09-24.

Conditions:
Cardiovascular phenotype. Identifiers: MedGen CN230736.

Allele frequency attached by ClinVar (database versions not stated): 1000 Genomes Project 0.00020; TOPMed 0.00023; gnomAD 0.00032; 1000 Genomes Project 30x 0.00031.
gnomAD v4.1: 87 of 1,613,462 alleles (0.0054%); highest among the groups gnomAD compares: African/African-American, 0.068%; no homozygotes.

Submissions (3):

GeneDx
Classification: Uncertain significance. Last evaluated: 2026-09-24. Review status: criteria provided, single submitter. Criteria: GeneDx Variant Classification Process June 2021. Collection method: clinical testing. Allele origin: germline.
Comment: In silico analysis supports that this missense variant has a deleterious effect on protein structure/function; Has not been previously published as pathogenic or benign to our knowledge

Ambry Genetics
Classification: Uncertain significance for Cardiovascular phenotype. Last evaluated: 2023-06-06. Review status: criteria provided, single submitter. Criteria: Ambry Variant Classification Scheme 2023. Collection method: clinical testing. Allele origin: germline.

Breakthrough Genomics
Classification: Uncertain significance. Review status: criteria provided, single submitter. Criteria: ACMG Guidelines, 2015. Collection method: not provided. Allele origin: germline. Inheritance: Autosomal recessive inheritance. Affected: yes.